The following is an entry in ClinVar:

NM_173560.4(RFX6):c.1283C>A (p.Thr428Asn)

Gene: RFX6 (regulatory factor X6; plus strand). Cytogenetic location: 6q22.1.
Variant type: single nucleotide variant.
Coding change: c.1283C>A on transcript NM_173560.4 (MANE Select); coding-DNA position 1283, C replaced by A.
Protein change: p.Thr428Asn; replaces threonine 428 with asparagine.
Molecular consequence: missense variant.
Genome position (GRCh38, 1-based): chr6:116,920,410, C>A. VCF-style: chr6-116920410-C-A. GRCh37 (hg19) VCF-style: chr6-117241573-C-A.
Other names: c.1283C>A (NM_173560.3); short protein forms T428N.
Identifiers: ClinVar variation 1445061 (VCV001445061.9), dbSNP rs200248374, ClinGen allele CA3973256.

ClinVar aggregate classification (germline): Conflicting classifications of pathogenicity. Review status: criteria provided, conflicting classifications (1 of 4 stars). 3 submissions from 3 submitters: Uncertain significance (2); Likely benign (1). Last evaluated 2026-09-16.

Conditions:
RFX6-related disorder. Also called: RFX6-related condition.
Inborn genetic diseases. Identifiers: MedGen C0950123, MeSH D030342.

Allele frequency attached by ClinVar (database versions not stated): TOPMed 0.00003; ExAC 0.00009; gnomAD exomes 0.00012 and 0.00002; 1000 Genomes Project 30x 0.00031; 1000 Genomes Project 0.00040; gnomAD 0.00001 and 0.00002.
gnomAD v4.1: 31 of 1,613,200 alleles (0.0019%); highest among the groups gnomAD compares: East Asian, 0.067%; no homozygotes.

Submissions (3):

PreventionGenetics, part of Exact Sciences
Classification: Likely benign for RFX6-related condition. Last evaluated: 2026-09-16. Review status: criteria provided, single submitter. Criteria: ACMG Guidelines, 2015. Collection method: clinical testing. Allele origin: germline.
Comment: This variant is classified as likely benign based on ACMG/AMP sequence variant interpretation guidelines (Richards et al. 2015 PMID: 25741868, with internal and published modifications).

Labcorp Genetics (formerly Invitae), Labcorp
Classification: Uncertain significance. Last evaluated: 2024-06-10. Review status: criteria provided, single submitter. Criteria: Invitae Variant Classification Sherloc (09022015). Collection method: clinical testing. Allele origin: germline.
Comment: This sequence change replaces threonine, which is neutral and polar, with asparagine, which is neutral and polar, at codon 428 of the RFX6 protein (p.Thr428Asn). This variant is present in population databases (rs200248374, gnomAD 0.2%). This variant has not been reported in the literature in individuals affected with RFX6-related conditions. ClinVar contains an entry for this variant (Variation ID: 1445061). Advanced modeling of protein sequence and biophysical properties (such as structural, functional, and spatial information, amino acid conservation, physicochemical variation, residue mobility, and thermodynamic stability) performed at Invitae indicates that this missense variant is not expected to disrupt RFX6 protein function with a negative predictive value of 80%. In summary, the available evidence is currently insufficient to determine the role of this variant in disease. Therefore, it has been classified as a Variant of Uncertain Significance.

Ambry Genetics
Classification: Uncertain significance for Inborn genetic diseases. Last evaluated: 2023-03-21. Review status: criteria provided, single submitter. Criteria: Ambry Variant Classification Scheme 2023. Collection method: clinical testing. Allele origin: germline.